The following is an entry in ClinVar:

ClinVar aggregate classification (germline): Uncertain significance (1 of 4 stars; one submission).

Conditions:
Primary dilated cardiomyopathy (DCM). Also called: Dilated Cardiomyopathy. Identifiers: Orphanet 217604, MedGen C0007193, MeSH D002311, MONDO:0005021, HP:0001644. Inheritance: Various modes of inheritance.
Hypertrophic cardiomyopathy. Also called: HYPERTROPHIC MYOCARDIOPATHY. Identifiers: Orphanet 217569, MedGen C0007194, MeSH D002312, MONDO:0005045, HP:0001639.

Submission:

Labcorp Genetics (formerly Invitae), Labcorp
Classification: Uncertain significance for Hypertrophic cardiomyopathy; Primary dilated cardiomyopathy. Last evaluated: 2022-12-06. Review status: criteria provided, single submitter. Criteria: Invitae Variant Classification Sherloc (09022015). Collection method: clinical testing. Allele origin: germline.
Comment: In summary, the available evidence is currently insufficient to determine the role of this variant in disease. Therefore, it has been classified as a Variant of Uncertain Significance. Algorithms developed to predict the effect of sequence changes on RNA splicing suggest that this variant may create or strengthen a splice site. ClinVar contains an entry for this variant (Variation ID: 1366329). This variant is also known as c.G163T (p.E55X). This premature translational stop signal has been observed in individual(s) with hypertrophic cardiomyopathy (PMID: 26656175). This variant is not present in population databases (gnomAD no frequency). This sequence change creates a premature translational stop signal (p.Glu222*) in the PDLIM3 gene. It is expected to result in an absent or disrupted protein product. However, the current clinical and genetic evidence is not sufficient to establish whether loss-of-function variants in PDLIM3 cause disease.

Literature cited by the submitters: PubMed 26656175.

NM_014476.6(PDLIM3):c.664G>T (p.Glu222Ter)

Gene: PDLIM3 (PDZ and LIM domain 3; minus strand). Cytogenetic location: 4q35.1.
Variant type: single nucleotide variant.
Coding change: c.664G>T on transcript NM_014476.6 (MANE Select); coding-DNA position 664, G replaced by T.
Protein change: p.Glu222Ter; replaces glutamic acid 222 with a stop codon.
Molecular consequence: nonsense. On other transcripts: non-coding transcript variant (1).
Genome position (GRCh38, 1-based): chr4:185,506,651, C>A on the plus strand (G>T on the coding strand, the complement: PDLIM3 is on the minus strand). VCF-style: chr4-185506651-C-A. GRCh37 (hg19) VCF-style: chr4-186427805-C-A.
Other names: c.520G>T, p.Glu174Ter (NM_001114107.5); c.400G>T, p.Glu134Ter (NM_001257962.2); c.163G>T, p.Glu55Ter (NM_001257963.2); short protein forms E134*, E174*, E222*, E55*.
Identifiers: ClinVar variation 1366329 (VCV001366329.6), dbSNP rs768821275, ClinGen allele CA358923182.